The following is an entry in ClinVar:

NM_005476.7(GNE):c.1414A>G (p.Ile472Val)

Gene: GNE (glucosamine (UDP-N-acetyl)-2-epimerase/N-acetylmannosamine kinase; minus strand). Cytogenetic location: 9p13.3.
Variant type: single nucleotide variant.
Coding change: c.1414A>G on transcript NM_005476.7 (MANE Select); coding-DNA position 1414, A replaced by G.
Protein change: p.Ile472Val; replaces isoleucine 472 with valine.
Molecular consequence: missense variant. On other transcripts: intron variant (1).
Genome position (GRCh38, 1-based): chr9:36,222,996, T>C on the plus strand (A>G on the coding strand, the complement: GNE is on the minus strand). VCF-style: chr9-36222996-T-C. GRCh37 (hg19) VCF-style: chr9-36222993-T-C.
Other names: c.1507A>G, p.Ile503Val (NM_001128227.3); c.1084A>G, p.Ile362Val (NM_001190384.3); c.1237A>G, p.Ile413Val (NM_001190388.2, NM_001374798.1); c.1261A>G, p.Ile421Val (NM_001374797.1); c.1411+377A>G (NM_001190383.3); short protein forms I413V, I421V, I503V, I362V, I472V.
Identifiers: ClinVar variation 2147906 (VCV002147906.3), dbSNP rs1329414627, ClinGen allele CA373426998.

ClinVar aggregate classification (germline): Uncertain significance (1 of 4 stars; one submission).

Conditions:
Sialuria. Also called: Sialic Acid Storage Disease; SIALURIA, FRENCH TYPE. Identifiers: Orphanet 3166, MedGen C0342853, MONDO:0010028, OMIM 269921.
GNE myopathy (NM). Also called: NONAKA DISTAL MYOPATHY; IBM 2; Inclusion body myopathy autosomal recessive; Inclusion body myopathy quadriceps sparing; INCLUSION BODY MYOPATHY, HEREDITARY, AUTOSOMAL RECESSIVE; INCLUSION BODY MYOPATHY 2, AUTOSOMAL RECESSIVE. Identifiers: Orphanet 602, MedGen C1853926, MONDO:0011603, OMIM 605820.

Allele frequency attached by ClinVar (database versions not stated): gnomAD exomes below 0.00001.
gnomAD v4.1: 1 of 1,613,206 alleles (0.000062%); highest among the groups gnomAD compares: Non-Finnish European, 0.000085%; no homozygotes.

Submission:

Labcorp Genetics (formerly Invitae), Labcorp
Classification: Uncertain significance for Sialuria; GNE myopathy. Last evaluated: 2024-02-16. Review status: criteria provided, single submitter. Criteria: Invitae Variant Classification Sherloc (09022015). Collection method: clinical testing. Allele origin: germline.
Comment: This sequence change replaces isoleucine, which is neutral and non-polar, with valine, which is neutral and non-polar, at codon 503 of the GNE protein (p.Ile503Val). This variant is present in population databases (no rsID available, gnomAD 0.0009%). This variant has not been reported in the literature in individuals affected with GNE-related conditions. ClinVar contains an entry for this variant (Variation ID: 2147906). An algorithm developed to predict the effect of missense changes on protein structure and function (PolyPhen-2) suggests that this variant is likely to be tolerated. This variant disrupts the p.Ile503 amino acid residue in GNE. Other variant(s) that disrupt this residue have been determined to be pathogenic (PMID: 12913203, 14707127). This suggests that this residue is clinically significant, and that variants that disrupt this residue are likely to be disease-causing. In summary, the available evidence is currently insufficient to determine the role of this variant in disease. Therefore, it has been classified as a Variant of Uncertain Significance.

Literature cited by the submitters: PubMed 12913203; PubMed 14707127.